The following is an entry in ClinVar:

ClinVar aggregate classification (germline): Conflicting classifications of pathogenicity. Review status: criteria provided, conflicting classifications (1 of 4 stars). 12 submissions from 12 submitters: Uncertain significance (2); Likely benign (7). 3 of the submissions do not count toward it. Last evaluated 2026-02-03.

Conditions:
BRCA2-related disorder. Also called: BRCA2-related condition; BRCA2-related disorders. Identifiers: MedGen CN239275.
Hereditary cancer-predisposing syndrome. Also called: Neoplastic Syndromes, Hereditary; Tumor predisposition; Hereditary Cancer Syndrome; Hereditary neoplastic syndrome. Identifiers: Orphanet 140162, MedGen C0027672, MeSH D009386, MONDO:0015356.
Hereditary breast ovarian cancer syndrome. Also called: BRCA1- and BRCA2-Associated Hereditary Breast and Ovarian Cancer; Hereditary breast and ovarian cancer; Hereditary breast and ovarian cancer syndrome; Hereditary breast and ovarian cancer syndrome (HBOC); Breast and ovarian cancer; Hereditary breast and/or ovarian cancer syndrome. Identifiers: Orphanet 145, MedGen C0677776, MeSH D061325, MONDO:0003582. Disease mechanism: loss of function.
Breast-ovarian cancer, familial, susceptibility to, 2 (BROVCA2). Also called: BRCA2 Hereditary Breast and Ovarian Cancer. Identifiers: Orphanet 145, MedGen C2675520, MONDO:0012933, OMIM 612555. Disease mechanism: loss of function.
Malignant tumor of breast. Also called: Cancer breast; Malignant breast neoplasm. Identifiers: MedGen C0006142, MONDO:0007254. Disease mechanism: loss of function.

Allele frequency attached by ClinVar (database versions not stated): gnomAD exomes 0.00001 and 0.00007; gnomAD 0.00002 and 0.00003; ExAC 0.00003; TOPMed 0.00006.
gnomAD v4.1: 22 of 1,607,052 alleles (0.0014%); highest among the groups gnomAD compares: Admixed American, 0.036%; no homozygotes.

Submissions (12):

Labcorp Genetics (formerly Invitae), Labcorp
Classification: Likely benign for Hereditary breast ovarian cancer syndrome. Last evaluated: 2026-02-03. Review status: criteria provided, single submitter. Criteria: Invitae Variant Classification Sherloc (09022015). Collection method: clinical testing. Allele origin: germline.

Women's Health and Genetics/Laboratory Corporation of America, LabCorp
Classification: Uncertain significance. Last evaluated: 2025-08-28. Review status: criteria provided, single submitter. Criteria: LabCorp Variant Classification Summary - May 2015. Collection method: clinical testing. Allele origin: germline.
Comment: Variant summary: BRCA2 c.1838T>G (p.Leu613Arg) results in a non-conservative amino acid change in the encoded protein sequence. Algorithms developed to predict the effect of missense changes on protein structure and function are either unavailable or do not agree on the potential impact of this missense change. The variant allele was found at a frequency of 7.4e-05 in 241822 control chromosomes, predominantly at a frequency of 0.00051 within the Latino subpopulation in the gnomAD database. This frequency is not significantly higher than estimated for disease-causing variants in BRCA2, allowing no conclusion about variant significance. These reports do not provide unequivocal conclusions about association of the variant with Hereditary Breast And Ovarian Cancer Syndrome. To our knowledge, no experimental evidence demonstrating an impact on protein function has been reported. The following publications have been ascertained in the context of this evaluation (PMID: 12442275, 28591715, 35666082). ClinVar contains an entry for this variant (Variation ID: 135791). Based on the evidence outlined above, the variant was classified as uncertain significance.

PreventionGenetics, part of Exact Sciences
Classification: Likely benign for BRCA2-related condition. Last evaluated: 2025-08-06. Review status: criteria provided, single submitter. Criteria: ACMG Guidelines, 2015. Collection method: clinical testing. Allele origin: germline.
Comment: This variant is classified as likely benign based on ACMG/AMP sequence variant interpretation guidelines (Richards et al. 2015 PMID: 25741868, with internal and published modifications).

Quest Diagnostics Nichols Institute San Juan Capistrano
Classification: Uncertain significance. Last evaluated: 2025-07-29. Review status: criteria provided, single submitter. Criteria: Quest Diagnostics criteria. Collection method: clinical testing. Allele origin: unknown.
Comment: The BRCA2 c.1838T>G (p.Leu613Arg) variant has been reported in individuals with breast cancer (PMIDs: 12442275 (2002), 32885271 (2021)) and prostate cancer (PMID: 35666082 (2022)), and described to be located in a region of the BRCA2 gene that is tolerant to missense sequence changes (PMID: 31911673 (2020)). The frequency of this variant in the general population (Genome Aggregation Database) is higher than would generally be expected for pathogenic variants in this gene. Analysis of this variant using bioinformatics tools for the prediction of the effect of amino acid changes on protein structure and function yielded predictions that this variant is benign. Based on the available information, we are unable to determine the clinical significance of this variant.

ARUP Laboratories, Molecular Genetics and Genomics, ARUP Laboratories
Classification: Likely benign. Last evaluated: 2024-11-25. Review status: criteria provided, single submitter. Criteria: ARUP Molecular Germline Variant Investigation Process 2024. Collection method: clinical testing. Allele origin: germline.

University of Washington Department of Laboratory Medicine, University of Washington
Classification: Likely benign for Hereditary cancer-predisposing syndrome. Last evaluated: 2023-03-23. Review status: criteria provided, single submitter. Criteria: Dines et al. (Genet Med. 2020). Collection method: curation. Allele origin: germline.
Comment: Missense variant in a coldspot region where missense variants are very unlikely to be pathogenic (PMID:31911673).

BRCA2 exon 10 coldspot. Reclassification based on statistical prior probability.

Ambry Genetics
Classification: Likely benign for Hereditary cancer-predisposing syndrome. Last evaluated: 2022-12-12. Review status: criteria provided, single submitter. Criteria: Ambry Variant Classification Scheme 2023. Collection method: clinical testing. Allele origin: germline.

GeneDx
Classification: Likely benign. Last evaluated: 2021-06-25. Review status: criteria provided, single submitter. Criteria: GeneDx Variant Classification Process June 2021. Collection method: clinical testing. Allele origin: germline. Affected: yes.
Comment: This variant is associated with the following publications: (PMID: 12442275, 28591715, 24817641)

Color Diagnostics, LLC DBA Color Health
Classification: Likely benign for Hereditary cancer-predisposing syndrome. Last evaluated: 2017-01-03. Review status: criteria provided, single submitter. Criteria: ACMG Guidelines, 2015. Collection method: clinical testing. Allele origin: germline.

Counsyl
Classification: Uncertain significance for Breast-ovarian cancer, familial, susceptibility to, 2. Last evaluated: 2016-08-31. Review status: no assertion criteria provided. Collection method: clinical testing. Allele origin: unknown. Not counted in ClinVar's aggregate classification.

Sharing Clinical Reports Project (SCRP)
Classification: Likely benign for Breast-ovarian cancer, familial 2. Last evaluated: 2013-09-11. Review status: no assertion criteria provided. Collection method: clinical testing. Allele origin: germline. Not counted in ClinVar's aggregate classification.

Department of Pathology and Laboratory Medicine, Sinai Health System
Classification: Uncertain significance for Malignant tumor of breast. Review status: no assertion criteria provided. Collection method: clinical testing. Allele origin: unknown. Affected: yes. Study: The Canadian Open Genetics Repository (COGR). Not counted in ClinVar's aggregate classification.
Comment: The BRCA2 p.Leu613Arg variant was identified in 1 of 64 proband chromosomes (frequency: 0.02) from individuals or families with breast cancer and was present in 1 of 130 control chromosomes (frequency: 0.008) from healthy individuals (Ruiz-Flores 2002). The variant was also identified in dbSNP (ID: rs587780646) as "With other allele" and ClinVar (classified as likely benign by SCRP and GeneDx; and as uncertain significance by Invitae, Ambry Genetics and three other submitters). The variant was not identified in LOVD 3.0 or UMD-LSDB. The variant was identified in control databases in 17 of 236466 chromosomes at a frequency of 0.00007 (Genome Aggregation Database Feb 27, 2017). The variant was observed in the Latino population in 17 of 32544 chromosomes (freq: 0.0005), while the variant was not observed in the African, Other, European, Ashkenazi Jewish, East Asian, Finnish, or South Asian populations. The p.Leu613 residue is not conserved in mammals and computational analyses (PolyPhen-2, SIFT, AlignGVGD, BLOSUM, MutationTaster) provide inconsistent predictions regarding the impact to the protein; this information is not very predictive of pathogenicity. The variant occurs outside of the splicing consensus sequence and in silico or computational prediction software programs (SpliceSiteFinder, MaxEntScan, NNSPLICE, GeneSplicer) do not predict a difference in splicing. In summary, based on the above information, the clinical significance of this variant cannot be determined with certainty at this time. This variant is classified as a variant of uncertain significance.

Literature cited by the submitters: PubMed 12442275 (cited by 3 submitters); PubMed 28591715 (cited by Women's Health and Genetics/Laboratory Corporation of America, LabCorp and Quest Diagnostics Nichols Institute San Juan Capistrano); PubMed 35666082 (cited by Women's Health and Genetics/Laboratory Corporation of America, LabCorp and Quest Diagnostics Nichols Institute San Juan Capistrano); PubMed 31925297 (cited by Quest Diagnostics Nichols Institute San Juan Capistrano); PubMed 24817641 (cited by Quest Diagnostics Nichols Institute San Juan Capistrano and Counsyl); PubMed 33054725 (cited by Quest Diagnostics Nichols Institute San Juan Capistrano); PubMed 26295337 (cited by Quest Diagnostics Nichols Institute San Juan Capistrano); PubMed 31853058 (cited by Quest Diagnostics Nichols Institute San Juan Capistrano); PubMed 30630528 (cited by Quest Diagnostics Nichols Institute San Juan Capistrano); PubMed 31911673 (cited by Quest Diagnostics Nichols Institute San Juan Capistrano); PubMed 32885271 (cited by Quest Diagnostics Nichols Institute San Juan Capistrano and Ambry Genetics).

NM_000059.4(BRCA2):c.1838T>G (p.Leu613Arg)

Gene: BRCA2 (BRCA2 DNA repair associated; plus strand). Cytogenetic location: 13q13.1.
Variant type: single nucleotide variant.
Coding change: c.1838T>G on transcript NM_000059.4 (MANE Select); coding-DNA position 1838, T replaced by G.
Protein change: p.Leu613Arg; replaces leucine 613 with arginine.
Molecular consequence: missense variant.
Genome position (GRCh38, 1-based): chr13:32,333,316, T>G. VCF-style: chr13-32333316-T-G. GRCh37 (hg19) VCF-style: chr13-32907453-T-G.
Other names: 2066T>G; short protein forms L613R.
Identifiers: ClinVar variation 135791 (VCV000135791.44), dbSNP rs587780646, ClinGen allele CA013524.